The following is an entry in ClinVar:

NM_023110.3(FGFR1):c.2090G>T (p.Gly697Val)

Gene: FGFR1 (fibroblast growth factor receptor 1; minus strand). Cytogenetic location: 8p11.23.
Variant type: single nucleotide variant.
Coding change: c.2090G>T on transcript NM_023110.3 (MANE Select); coding-DNA position 2090, G replaced by T.
Protein change: p.Gly697Val; replaces glycine 697 with valine.
Molecular consequence: missense variant.
Genome position (GRCh38, 1-based): chr8:38,414,248, C>A on the plus strand (G>T on the coding strand, the complement: FGFR1 is on the minus strand). VCF-style: chr8-38414248-C-A. GRCh37 (hg19) VCF-style: chr8-38271766-C-A.
Other names: c.2090G>T, p.Gly697Val (NM_000604.2); c.2084G>T, p.Gly695Val (NM_001174063.2, NM_001174065.2, NM_001354367.2 and 1 more transcripts); c.2060G>T, p.Gly687Val (NM_001174064.2); c.1823G>T, p.Gly608Val (NM_001174066.2, NM_023105.3); c.2183G>T, p.Gly728Val (NM_001174067.2); c.1811G>T, p.Gly604Val (NM_001354368.2); c.2078G>T, p.Gly693Val (NM_001354369.2, NM_001410922.1); c.1817G>T, p.Gly606Val (NM_001354370.2, NM_023106.3); short protein forms G604V, G606V, G608V, G687V, G693V, G695V, G697V, G728V.
Identifiers: ClinVar variation 2582042 (VCV002582042.2), dbSNP rs2150535310, ClinGen allele CA370728903.
Genomic context (GRCh38, chr8:38,414,248, plus strand): 5'-TGACCCTCCTTCAGCAGCTTGAAAAGTTCCTCCACAGGCACACCGGGGTATGGGGAGCCG[C>A]CCAGAGTGAAGATCTCCCACAGGAGCACCCCGAAAGACCACCTGCAAATGGGCGGAGAGC-3'
Protein context (NP_075598.2, residues 687-707): GVLLWEIFTL[Gly697Val]GSPYPGVPVE

ClinVar aggregate classification (germline): Uncertain significance (1 of 4 stars; one submission).

Submission:

GeneDx
Classification: Uncertain significance. Last evaluated: 2026-09-28. Review status: criteria provided, single submitter. Criteria: GeneDx Variant Classification Process June 2021. Collection method: clinical testing. Allele origin: germline.
Comment: Not observed at significant frequency in large population cohorts (gnomAD); In silico analysis supports that this missense variant has a deleterious effect on protein structure/function; Has not been previously published as pathogenic or benign to our knowledge